The following is an entry in ClinVar:

ClinVar aggregate classification (germline): Uncertain significance. Review status: criteria provided, multiple submitters, no conflicts (2 of 4 stars). 3 submissions from 3 submitters: Uncertain significance (3). Last evaluated 2026-02-02.

Conditions:
Age related macular degeneration 1 (ARMD1). Also called: MACULOPATHY, AGE-RELATED, 1. Identifiers: MedGen C1864205, MONDO:0011285, OMIM 603075.

Allele frequency attached by ClinVar (database versions not stated): ExAC 0.00001; gnomAD 0.00003; TOPMed 0.00009; gnomAD exomes below 0.00001.
gnomAD v4.1: 10 of 1,607,052 alleles (0.00062%); highest among the groups gnomAD compares: Admixed American, 0.0083%; no homozygotes.

Submissions (3):

Labcorp Genetics (formerly Invitae), Labcorp
Classification: Uncertain significance. Last evaluated: 2026-02-02. Review status: criteria provided, single submitter. Criteria: Invitae Variant Classification Sherloc (09022015). Collection method: clinical testing. Allele origin: germline.
Comment: This sequence change replaces histidine, which is basic and polar, with arginine, which is basic and polar, at codon 5427 of the HMCN1 protein (p.His5427Arg). This variant is present in population databases (rs751058515, gnomAD 0.1%). This variant has not been reported in the literature in individuals affected with HMCN1-related conditions. ClinVar contains an entry for this variant (Variation ID: 2413724). An algorithm developed to predict the effect of missense changes on protein structure and function outputs the following: PolyPhen-2: "Benign". The arginine amino acid residue is found in multiple mammalian species, which suggests that this missense change does not adversely affect protein function. In summary, the available evidence is currently insufficient to determine the role of this variant in disease. Therefore, it has been classified as a Variant of Uncertain Significance.

Ambry Genetics
Classification: Uncertain significance. Last evaluated: 2023-06-16. Review status: criteria provided, single submitter. Criteria: Ambry Variant Classification Scheme 2023. Collection method: clinical testing. Allele origin: germline.

Genome-Nilou Lab
Classification: Uncertain significance for Age related macular degeneration 1. Last evaluated: 2023-04-11. Review status: criteria provided, single submitter. Criteria: ACMG Guidelines, 2015. Collection method: clinical testing. Allele origin: germline. Affected: no.

NM_031935.3(HMCN1):c.16280A>G (p.His5427Arg)

Gene: HMCN1 (hemicentin 1; plus strand). Cytogenetic location: 1q31.1.
Variant type: single nucleotide variant.
Coding change: c.16280A>G on transcript NM_031935.3 (MANE Select); coding-DNA position 16280, A replaced by G.
Protein change: p.His5427Arg; replaces histidine 5427 with arginine.
Molecular consequence: missense variant.
Genome position (GRCh38, 1-based): chr1:186,178,752, A>G. VCF-style: chr1-186178752-A-G. GRCh37 (hg19) VCF-style: chr1-186147884-A-G.
Other names: c.16280A>G (NM_031935.2); short protein forms H5427R.
Identifiers: ClinVar variation 2413724 (VCV002413724.9), dbSNP rs751058515, ClinGen allele CA1295502.